The following is an entry in ClinVar:

ClinVar aggregate classification (germline): Conflicting classifications of pathogenicity. Review status: criteria provided, conflicting classifications (1 of 4 stars). 3 submissions from 3 submitters: Likely pathogenic (1); Uncertain significance (2). Last evaluated 2026-02-26.

Conditions:
Developmental and epileptic encephalopathy, 66. Also called: EPILEPTIC ENCEPHALOPATHY, EARLY INFANTILE, 66. Identifiers: MedGen C4748070, MONDO:0054845, OMIM 618067.

Allele frequency attached by ClinVar (database versions not stated): gnomAD exomes below 0.00001.
gnomAD v4.1: 3 of 1,605,698 alleles (0.00019%); highest among the groups gnomAD compares: Non-Finnish European, 0.00026%; no homozygotes.

Submissions (3):

Dasa
Classification: Uncertain significance. Last evaluated: 2026-02-26. Review status: criteria provided, single submitter. Criteria: DASA Assertion Criteria. Collection method: clinical testing. Allele origin: germline.
Comment: NM_001100913.3(PACS2):c.598G>A (p.Glu200Lys) is a missense variant that results in the substitution of glutamic acid with lysine. The affected residue or protein region has prior evidence supporting clinical relevance. This variant has been reported in individuals with PACS2-related disorders. Also, this variant is rare in population databases. The currently available literature and clinical evidence are not sufficient to establish a definitive association between this variant and the reported condition. Therefore, this variant is classified as a variant of uncertain significance.

Labcorp Genetics (formerly Invitae), Labcorp
Classification: Uncertain significance. Last evaluated: 2024-05-22. Review status: criteria provided, single submitter. Criteria: Invitae Variant Classification Sherloc (09022015). Collection method: clinical testing. Allele origin: germline.
Comment: This sequence change replaces glutamic acid, which is acidic and polar, with lysine, which is basic and polar, at codon 200 of the PACS2 protein (p.Glu200Lys). This variant is present in population databases (no rsID available, gnomAD 0.0009%). This missense change has been observed in individual(s) with clinical features of PACS2-related conditions (Invitae). ClinVar contains an entry for this variant (Variation ID: 1397191). An algorithm developed to predict the effect of missense changes on protein structure and function (PolyPhen-2) suggests that this variant is likely to be disruptive. In summary, the available evidence is currently insufficient to determine the role of this variant in disease. Therefore, it has been classified as a Variant of Uncertain Significance.

Department of Clinical Genetics, Copenhagen University Hospital, Rigshospitalet
Classification: Likely pathogenic for Developmental and epileptic encephalopathy, 66. Last evaluated: 2021-08-01. Review status: criteria provided, single submitter. Criteria: ACMG Guidelines, 2015. Collection method: clinical testing. Allele origin: de novo. Affected: yes.

NM_001100913.3(PACS2):c.598G>A (p.Glu200Lys)

Gene: PACS2 (phosphofurin acidic cluster sorting protein 2; plus strand). Cytogenetic location: 14q32.33.
Variant type: single nucleotide variant.
Coding change: c.598G>A on transcript NM_001100913.3 (MANE Select); coding-DNA position 598, G replaced by A.
Protein change: p.Glu200Lys; replaces glutamic acid 200 with lysine.
Molecular consequence: missense variant.
Genome position (GRCh38, 1-based): chr14:105,368,085, G>A. VCF-style: chr14-105368085-G-A. GRCh37 (hg19) VCF-style: chr14-105834422-G-A.
Other names: c.397G>A, p.Glu133Lys (NM_001243127.3); c.598G>A, p.Glu200Lys (NM_015197.4); short protein forms E200K, E133K.
Identifiers: ClinVar variation 1397191 (VCV001397191.12), dbSNP rs1555408385, ClinGen allele CA391174312.
Genomic context (GRCh38, chr14:105,368,085, plus strand): 5'-CCCGGGTGGAATCTCACGGCACCCTCCCTTCTGTCTGTTCATTCCGCAGATAACTACTCC[G>A]AGGAGGAGTATGAGAGCTTCTCCTCCGAGCAGGAGGCCAGTGACGACGCCGTGCAGGGGC-3'
Protein context (NP_001094383.2, residues 190-210): PKAKSTDNYS[Glu200Lys]EEYESFSSEQ